The following is an entry in ClinVar:

NM_198253.3(TERT):c.422T>C (p.Leu141Pro)

Gene: TERT (telomerase reverse transcriptase; minus strand). Cytogenetic location: 5p15.33.
Variant type: single nucleotide variant.
Coding change: c.422T>C on transcript NM_198253.3 (MANE Select); coding-DNA position 422, T replaced by C.
Protein change: p.Leu141Pro; replaces leucine 141 with proline.
Molecular consequence: missense variant. On other transcripts: non-coding transcript variant (2).
Genome position (GRCh38, 1-based): chr5:1,294,464, A>G on the plus strand (T>C on the coding strand, the complement: TERT is on the minus strand). VCF-style: chr5-1294464-A-G. GRCh37 (hg19) VCF-style: chr5-1294579-A-G.
Other names: c.422T>C, p.Leu141Pro (NM_001193376.3); short protein forms L141P.
Identifiers: ClinVar variation 3805769 (VCV003805769.1).

ClinVar aggregate classification (germline): Uncertain significance (1 of 4 stars; one submission).

Conditions:
Dyskeratosis congenita. Identifiers: Orphanet 1775, MedGen C0265965, MONDO:0015780.

Submission:

Ambry Genetics
Classification: Uncertain significance for Dyskeratosis congenita. Last evaluated: 2025-01-15. Review status: criteria provided, single submitter. Criteria: Ambry Variant Classification Scheme 2023. Collection method: clinical testing. Allele origin: germline.
Comment: The p.L141P variant (also known as c.422T>C), located in coding exon 2 of the TERT gene, results from a T to C substitution at nucleotide position 422. The leucine at codon 141 is replaced by proline, an amino acid with similar properties. This amino acid position is well conserved in available vertebrate species. In addition, this alteration is predicted to be deleterious by in silico analysis. Based on the available evidence, the clinical significance of this variant remains unclear.